The following is an entry in ClinVar:

ClinVar aggregate classification (germline): Uncertain significance. Review status: criteria provided, multiple submitters, no conflicts (2 of 4 stars). 3 submissions from 3 submitters: Uncertain significance (3). Last evaluated 2024-10-19.

Conditions:
Inborn genetic diseases. Identifiers: MedGen C0950123, MeSH D030342.

Allele frequency attached by ClinVar (database versions not stated): ExAC 0.00001; gnomAD 0.00001; TOPMed 0.00003.
gnomAD v4.1: 2 of 1,612,552 alleles (0.00012%); highest among the groups gnomAD compares: African/African-American, 0.0027%; no homozygotes.

Submissions (3):

Ambry Genetics
Classification: Uncertain significance for Inborn genetic diseases. Last evaluated: 2024-10-19. Review status: criteria provided, single submitter. Criteria: Ambry Variant Classification Scheme 2023. Collection method: clinical testing. Allele origin: germline.

Labcorp Genetics (formerly Invitae), Labcorp
Classification: Uncertain significance. Last evaluated: 2024-01-07. Review status: criteria provided, single submitter. Criteria: Invitae Variant Classification Sherloc (09022015). Collection method: clinical testing. Allele origin: germline.
Comment: This sequence change replaces proline, which is neutral and non-polar, with serine, which is neutral and polar, at codon 22 of the PRPF8 protein (p.Pro22Ser). This variant is not present in population databases (gnomAD no frequency). This variant has not been reported in the literature in individuals affected with PRPF8-related conditions. An algorithm developed to predict the effect of missense changes on protein structure and function (PolyPhen-2) suggests that this variant is likely to be tolerated. In summary, the available evidence is currently insufficient to determine the role of this variant in disease. Therefore, it has been classified as a Variant of Uncertain Significance.

Blueprint Genetics
Classification: Uncertain significance. Last evaluated: 2022-04-21. Review status: criteria provided, single submitter. Criteria: ACMG Guidelines, 2015. Collection method: clinical testing. Allele origin: germline.

NM_006445.4(PRPF8):c.64C>T (p.Pro22Ser)

Gene: PRPF8 (pre-mRNA processing factor 8; minus strand). Cytogenetic location: 17p13.3.
Variant type: single nucleotide variant.
Coding change: c.64C>T on transcript NM_006445.4 (MANE Select); coding-DNA position 64, C replaced by T.
Protein change: p.Pro22Ser; replaces proline 22 with serine.
Molecular consequence: missense variant.
Genome position (GRCh38, 1-based): chr17:1,684,508, G>A on the plus strand (C>T on the coding strand, the complement: PRPF8 is on the minus strand). VCF-style: chr17-1684508-G-A. GRCh37 (hg19) VCF-style: chr17-1587802-G-A.
Other names: c.64C>T (NM_006445.3); short protein forms P22S.
Identifiers: ClinVar variation 3011017 (VCV003011017.5), dbSNP rs748142695, ClinGen allele CA8272751.